The following is an entry in ClinVar:

NM_001378454.1(ALMS1):c.10490G>A (p.Cys3497Tyr)

Gene: ALMS1 (ALMS1 centrosome and basal body associated protein; plus strand). Cytogenetic location: 2p13.1.
Variant type: single nucleotide variant.
Coding change: c.10490G>A on transcript NM_001378454.1 (MANE Select); coding-DNA position 10490, G replaced by A.
Protein change: p.Cys3497Tyr; replaces cysteine 3497 with tyrosine.
Molecular consequence: missense variant.
Genome position (GRCh38, 1-based): chr2:73,572,367, G>A. VCF-style: chr2-73572367-G-A. GRCh37 (hg19) VCF-style: chr2-73799494-G-A.
Other names: c.10493G>A, p.Cys3498Tyr (NM_015120.4); short protein forms C3498Y, C3497Y.
Identifiers: ClinVar variation 3020471 (VCV003020471.3), dbSNP rs2466443237, ClinGen allele CA347283180.
Genomic context (GRCh38, chr2:73,572,367, plus strand): 5'-TCAGGTCAGCAAAGTTTTACATTCATCATCCCGTACACCTACCAAGTGATCAAGATATTT[G>A]CCATGAATCTTTGGGAAAGAGTGTTTTCATGAGACATTCTTGGAAAGATTTCTTTCAGCA-3'
Protein context (NP_001365383.1, residues 3487-3507): PVHLPSDQDI[Cys3497Tyr]HESLGKSVFM

ClinVar aggregate classification (germline): Uncertain significance (1 of 4 stars; one submission).

Conditions:
Alstrom syndrome (ALMS). Identifiers: Orphanet 64, MedGen C0268425, MONDO:0008763, OMIM 203800.

gnomAD v4.1: 3 of 1,609,076 alleles (0.00019%); highest among the groups gnomAD compares: Non-Finnish European, 0.00025%; no homozygotes.

Submission:

Labcorp Genetics (formerly Invitae), Labcorp
Classification: Uncertain significance for Alstrom syndrome. Last evaluated: 2023-07-04. Review status: criteria provided, single submitter. Criteria: Invitae Variant Classification Sherloc (09022015). Collection method: clinical testing. Allele origin: germline.
Comment: This sequence change replaces cysteine, which is neutral and slightly polar, with tyrosine, which is neutral and polar, at codon 3498 of the ALMS1 protein (p.Cys3498Tyr). This variant is not present in population databases (gnomAD no frequency). This variant has not been reported in the literature in individuals affected with ALMS1-related conditions. Experimental studies and prediction algorithms are not available or were not evaluated, and the functional significance of this variant is currently unknown. In summary, the available evidence is currently insufficient to determine the role of this variant in disease. Therefore, it has been classified as a Variant of Uncertain Significance.